The following is an entry in ClinVar:

NM_175875.5(SIX5):c.607G>A (p.Glu203Lys)

Genes: DM1-AS (DM1 locus antisense RNA; plus strand), SIX5 (SIX homeobox 5; minus strand), LOC107075317 (origin of replication in DMPK trinucleotide repeat region; plus strand). Cytogenetic location: 19q13.32.
Variant type: single nucleotide variant.
Coding change: c.607G>A on transcript NM_175875.5 (MANE Select); coding-DNA position 607, G replaced by A.
Protein change: p.Glu203Lys; replaces glutamic acid 203 with lysine.
Molecular consequence: missense variant.
Genome position (GRCh38, 1-based): chr19:45,768,238, C>T on the plus strand (G>A on the coding strand, the complement: SIX5 is on the minus strand). VCF-style: chr19-45768238-C-T. GRCh37 (hg19) VCF-style: chr19-46271496-C-T.
Other names: short protein forms E203K.
Identifiers: ClinVar variation 4811696 (VCV004811696.1).

ClinVar aggregate classification (germline): Uncertain significance (1 of 4 stars; one submission).

gnomAD v4.1: 3 of 1,613,098 alleles (0.00019%); highest among the groups gnomAD compares: South Asian, 0.0011%; no homozygotes.

Submission:

Labcorp Genetics (formerly Invitae), Labcorp
Classification: Uncertain significance. Last evaluated: 2025-02-10. Review status: criteria provided, single submitter. Criteria: Invitae Variant Classification Sherloc (09022015). Collection method: clinical testing. Allele origin: germline.
Comment: This sequence change replaces glutamic acid, which is acidic and polar, with lysine, which is basic and polar, at codon 203 of the SIX5 protein (p.Glu203Lys). This variant is not present in population databases (gnomAD no frequency). This variant has not been reported in the literature in individuals affected with SIX5-related conditions. Invitae Evidence Modeling of protein sequence and biophysical properties (such as structural, functional, and spatial information, amino acid conservation, physicochemical variation, residue mobility, and thermodynamic stability) indicates that this missense variant is expected to disrupt SIX5 protein function with a positive predictive value of 80%. In summary, the available evidence is currently insufficient to determine the role of this variant in disease. Therefore, it has been classified as a Variant of Uncertain Significance.